The following is an entry in ClinVar:

ClinVar aggregate classification (germline): Uncertain significance (1 of 4 stars; one submission).

Conditions:
Inborn genetic diseases. Identifiers: MedGen C0950123, MeSH D030342.

gnomAD v4.1: 3 of 1,614,160 alleles (0.00019%); no homozygotes.

Submission:

Ambry Genetics
Classification: Uncertain significance for Inborn genetic diseases. Last evaluated: 2026-08-31. Review status: criteria provided, single submitter. Criteria: Ambry Variant Classification Scheme 2023. Collection method: clinical testing. Allele origin: germline.
Comment: The p.P401A variant (also known as c.1201C>G), located in coding exon 13 of the FANCA gene, results from a C to G substitution at nucleotide position 1201. The proline at codon 401 is replaced by alanine, an amino acid with highly similar properties. This amino acid position is conserved. In addition, this alteration is predicted to be tolerated by in silico analysis. Based on the available evidence, the clinical significance of this variant remains unclear.

NM_000135.4(FANCA):c.1201C>G (p.Pro401Ala)

Gene: FANCA (FA complementation group A; minus strand). Cytogenetic location: 16q24.3.
Variant type: single nucleotide variant.
Coding change: c.1201C>G on transcript NM_000135.4 (MANE Select); coding-DNA position 1201, C replaced by G.
Protein change: p.Pro401Ala; replaces proline 401 with alanine.
Molecular consequence: missense variant.
Genome position (GRCh38, 1-based): chr16:89,791,951, G>C on the plus strand (C>G on the coding strand, the complement: FANCA is on the minus strand). VCF-style: chr16-89791951-G-C. GRCh37 (hg19) VCF-style: chr16-89858359-G-C.
Other names: c.1201C>G, p.Pro401Ala (NM_001286167.3); short protein forms P401A.
Identifiers: ClinVar variation 5036440 (VCV005036440.1).